The following is an entry in ClinVar:

ClinVar aggregate classification (germline): Uncertain significance (1 of 4 stars; one submission).

Conditions:
Charcot-Marie-Tooth disease type 2. Also called: Charcot-Marie-Tooth type 2. Identifiers: Orphanet 64746, MedGen C0270914, MONDO:0018993.

Allele frequency attached by ClinVar (database versions not stated): gnomAD 0.00001; TOPMed below 0.00001.
gnomAD v4.1: 1 of 1,614,072 alleles (0.000062%); highest among the groups gnomAD compares: African/African-American, 0.0013%; no homozygotes.

Submission:

Labcorp Genetics (formerly Invitae), Labcorp
Classification: Uncertain significance for Charcot-Marie-Tooth disease type 2. Last evaluated: 2023-06-17. Review status: criteria provided, single submitter. Criteria: Invitae Variant Classification Sherloc (09022015). Collection method: clinical testing. Allele origin: germline.
Comment: This sequence change replaces isoleucine, which is neutral and non-polar, with valine, which is neutral and non-polar, at codon 849 of the AARS protein (p.Ile849Val). This variant is not present in population databases (gnomAD no frequency). This variant has not been reported in the literature in individuals affected with AARS-related conditions. An algorithm developed to predict the effect of missense changes on protein structure and function (PolyPhen-2) suggests that this variant is likely to be disruptive. In summary, the available evidence is currently insufficient to determine the role of this variant in disease. Therefore, it has been classified as a Variant of Uncertain Significance.

NM_001605.3(AARS1):c.2545A>G (p.Ile849Val)

Gene: AARS1 (alanyl-tRNA synthetase 1; minus strand). Cytogenetic location: 16q22.1.
Variant type: single nucleotide variant.
Coding change: c.2545A>G on transcript NM_001605.3 (MANE Select); coding-DNA position 2545, A replaced by G.
Protein change: p.Ile849Val; replaces isoleucine 849 with valine.
Molecular consequence: missense variant.
Genome position (GRCh38, 1-based): chr16:70,253,776, T>C on the plus strand (A>G on the coding strand, the complement: AARS1 is on the minus strand). VCF-style: chr16-70253776-T-C. GRCh37 (hg19) VCF-style: chr16-70287679-T-C.
Other names: short protein forms I849V.
Identifiers: ClinVar variation 2887253 (VCV002887253.3), dbSNP rs1444813425, ClinGen allele CA396555020.